The following is an entry in ClinVar:

ClinVar aggregate classification (germline): Uncertain significance (1 of 4 stars; one submission).

Conditions:
Hereditary cancer-predisposing syndrome. Also called: Neoplastic Syndromes, Hereditary; Tumor predisposition; Hereditary neoplastic syndrome; Hereditary Cancer Syndrome. Identifiers: Orphanet 140162, MedGen C0027672, MeSH D009386, MONDO:0015356.

Submission:

Ambry Genetics
Classification: Uncertain significance for Hereditary cancer-predisposing syndrome. Last evaluated: 2026-07-06. Review status: criteria provided, single submitter. Criteria: Ambry Variant Classification Scheme 2023. Collection method: clinical testing. Allele origin: germline.
Comment: The p.Q330E variant (also known as c.988C>G), located in coding exon 8 of the SUFU gene, results from a C to G substitution at nucleotide position 988. The glutamine at codon 330 is replaced by glutamic acid, an amino acid with highly similar properties. This amino acid position is conserved. In addition, this alteration is predicted to be tolerated by in silico analysis. Based on the available evidence, the clinical significance of this variant remains unclear.

NM_016169.4(SUFU):c.988C>G (p.Gln330Glu)

Gene: SUFU (SUFU negative regulator of hedgehog signaling; plus strand). Cytogenetic location: 10q24.32.
Variant type: single nucleotide variant.
Coding change: c.988C>G on transcript NM_016169.4 (MANE Select); coding-DNA position 988, C replaced by G.
Protein change: p.Gln330Glu; replaces glutamine 330 with glutamic acid.
Molecular consequence: missense variant.
Genome position (GRCh38, 1-based): chr10:102,599,510, C>G. VCF-style: chr10-102599510-C-G. GRCh37 (hg19) VCF-style: chr10-104359267-C-G.
Other names: c.988C>G, p.Gln330Glu (NM_001178133.2); short protein forms Q330E.
Identifiers: ClinVar variation 5030373 (VCV005030373.1).